The following is an entry in ClinVar:

NC_000010.10:g.(?_126100603)_(126140009_?)del

Genes: NKX1-2 (NK1 homeobox 2; minus strand), OAT (ornithine aminotransferase; minus strand). Cytogenetic location: 10q26.13.
Variant type: Deletion.
Identifiers: ClinVar variation 3244810 (VCV003244810.1).

ClinVar aggregate classification (germline): Pathogenic (1 of 4 stars; one submission).

Conditions:
Ornithine aminotransferase deficiency (GACR). Also called: HYPERORNITHINEMIA WITH GYRATE ATROPHY OF CHOROID AND RETINA; OAT DEFICIENCY; OKT DEFICIENCY; Ornithine ketoacid aminotransferase deficiency; Gyrate atrophy; Gyrate atrophy of choroid and retina. Identifiers: Orphanet 414, MedGen C0018425, MONDO:0009796, OMIM 258870.

Submission:

Labcorp Genetics (formerly Invitae), Labcorp
Classification: Pathogenic for Ornithine aminotransferase deficiency. Last evaluated: 2023-08-01. Review status: criteria provided, single submitter. Criteria: Invitae Variant Classification Sherloc (09022015). Collection method: clinical testing. Allele origin: unknown.
Comment: For these reasons, this variant has been classified as Pathogenic. This variant has not been reported in the literature in individuals affected with OAT-related conditions. This variant results in the deletion of exon 1 and part of exon 2 (c.-32597_138del) of the OAT gene. It is expected to result in an absent or disrupted protein product. Loss-of-function variants in OAT are known to be pathogenic (PMID: 1737786, 23076989).

Literature cited by the submitters: PubMed 1737786; PubMed 23076989.